The following is an entry in ClinVar:

ClinVar aggregate classification (germline): Conflicting classifications of pathogenicity. Review status: criteria provided, conflicting classifications (1 of 4 stars). 4 submissions from 4 submitters: Uncertain significance (2); Likely benign (2). Last evaluated 2024-11-27.

Conditions:
Intellectual developmental disorder with dysmorphic facies, seizures, and distal limb anomalies (IDDFSDA). Identifiers: Orphanet 505237, MedGen C4479520, MONDO:0044319, OMIM 617452.
Inborn genetic diseases. Identifiers: MedGen C0950123, MeSH D030342.
Intellectual disability. Also called: Intellectual developmental disorder; Intellectual functioning disability; intellectual disabilities. Identifiers: MedGen C3714756, MeSH D008607, MONDO:0001071, HP:0001249.

Allele frequency attached by ClinVar (database versions not stated): 1000 Genomes Project 0.00060; 1000 Genomes Project 30x 0.00062; gnomAD 0.00131; gnomAD exomes 0.00133; TOPMed 0.00143; ExAC 0.00163; ESP Exome Variant Server 0.00208.

Submissions (6):

Blueprint Genetics
Classification: Likely benign. Last evaluated: 2024-11-27. Review status: criteria provided, single submitter. Criteria: ACMG Guidelines, 2015. Collection method: clinical testing. Allele origin: germline.

Ambry Genetics
Classification: Likely benign for Inborn genetic diseases. Last evaluated: 2024-11-21. Review status: criteria provided, single submitter. Criteria: Ambry Variant Classification Scheme 2023. Collection method: clinical testing. Allele origin: germline.

Cambridge Genomics Laboratory, East Genomic Laboratory Hub, NHS Genomic Medicine Service
Classification: Uncertain significance for Intellectual disability. Last evaluated: 2020-04-16. Review status: criteria provided, single submitter. Criteria: ACGS Best Practice Guidelines for Variant Classification in Rare Disease 2020. Collection method: clinical testing. Allele origin: germline. Affected: yes. Observed: 1 variant allele.

Baylor Genetics
Classification: Uncertain significance for Intellectual developmental disorder with dysmorphic facies, seizures, and distal limb anomalies. Last evaluated: 2018-03-03. Review status: criteria provided, single submitter. Criteria: ACMG Guidelines, 2015. Collection method: clinical testing. Allele origin: unknown. Affected: yes.
Comment: This variant was determined to be of uncertain significance according to ACMG Guidelines, 2015 [PMID:25741868].

Dr. Peter K. Rogan Lab, Western University
No classification provided (evidence only). Condition: Acute myeloid leukemia. Review status: no classification provided. Collection method: in vitro. Allele origin: not applicable. Functional consequence: retained intron. Not counted in ClinVar's aggregate classification.

Dr. Peter K. Rogan Lab, Western University
No classification provided (evidence only). Condition: Ovarian serous cystadenocarcinoma. Review status: no classification provided. Collection method: in vitro. Allele origin: not applicable. Functional consequence: retained intron. Not counted in ClinVar's aggregate classification.

NM_016023.5(OTUD6B):c.-15G>A

Gene: OTUD6B (OTU deubiquitinase 6B; plus strand). Cytogenetic location: 8q21.3.
Variant type: single nucleotide variant.
Coding change: c.-15G>A on transcript NM_016023.5 (MANE Select); 15 bases upstream of the start codon, G replaced by A.
Molecular consequence: 5 prime UTR variant.
Genome position (GRCh38, 1-based): chr8:91,070,370, G>A. VCF-style: chr8-91070370-G-A. GRCh37 (hg19) VCF-style: chr8-92082598-G-A.
Other names: NC_000008.10:g.92082598G>A; c.-458G>A (NM_001286745.3).
Identifiers: ClinVar variation 1033385 (VCV001033385.5), dbSNP rs186307892, ClinGen allele CA4804649.
Genomic context (GRCh38, chr8:91,070,370, plus strand): 5'-AGGGTTGAGGGGTGGAAGGTGCCTACTAGCCGGTGCAGGTTTCTTCTAGCGCGTGTGCTG[G>A]GGTACCTGGTCGTCATGGAGGCGGTATTGACCGAAGAGCTTGATGAGGAAGAGCAGCTGC-3'